The following is an entry in ClinVar:

NM_032620.4(GTPBP3):c.115C>T (p.Leu39=)

Gene: GTPBP3 (GTP binding protein 3, mitochondrial; plus strand). Cytogenetic location: 19p13.11.
Variant type: single nucleotide variant.
Coding change: c.115C>T on transcript NM_032620.4 (MANE Select); coding-DNA position 115, C replaced by T.
Protein change: p.Leu39=; no amino-acid change (leucine 39 retained).
Molecular consequence: synonymous variant.
Genome position (GRCh38, 1-based): chr19:17,338,069, C>T. VCF-style: chr19-17338069-C-T. GRCh37 (hg19) VCF-style: chr19-17448878-C-T.
Other names: c.115C>T, p.Leu39= (NM_001128855.3, NM_133644.4); c.181C>T, p.Leu61= (NM_001195422.1).
Identifiers: ClinVar variation 383500 (VCV000383500.1), dbSNP rs746303532, ClinGen allele CA9293235.

ClinVar aggregate classification (germline): Likely benign (1 of 4 stars; one submission).

Allele frequency attached by ClinVar (database versions not stated): TOPMed 0.00001 and 0.00002; gnomAD exomes 0.00002; ExAC 0.00002.

Submission:

GeneDx
Classification: Likely benign. Last evaluated: 2016-02-26. Review status: criteria provided, single submitter. Criteria: GeneDx Variant Classification (06012015). Collection method: clinical testing. Allele origin: germline. Affected: yes.
Comment: This variant is considered likely benign or benign based on one or more of the following criteria: it is a conservative change, it occurs at a poorly conserved position in the protein, it is predicted to be benign by multiple in silico algorithms, and/or has population frequency not consistent with disease.